The following is an entry in ClinVar:

ClinVar aggregate classification (germline): Pathogenic. Review status: criteria provided, multiple submitters, no conflicts (2 of 4 stars). 13 submissions from 13 submitters: Pathogenic (12). 1 of the submissions does not count toward it. Last evaluated 2026-03-04.

Conditions:
Carnitine deficiency. Identifiers: MedGen C1142132.
SLC22A5-related disorder. Also called: SLC22A5-related condition.
Renal carnitine transport defect (CDSP). Also called: Carnitine transporter deficiency; Carnitine Deficiency, Systemic; Primary carnitine deficiency; Systemic primary carnitine deficiency; CARNITINE DEFICIENCY, SYSTEMIC, DUE TO DEFECT IN RENAL REABSORPTION OF CARNITINE; CARNITINE TRANSPORTER, PLASMA-MEMBRANE, DEFICIENCY OF. Identifiers: Orphanet 158, MedGen C0342788, MONDO:0008919, OMIM 212140.

Submissions (13):

Institute of Immunology and Genetics Kaiserslautern
Classification: Pathogenic for Renal carnitine transport defect. Last evaluated: 2026-03-04. Review status: criteria provided, single submitter. Criteria: ACMG Guidelines, 2015. Collection method: clinical testing. Allele origin: germline. Affected: yes.
Comment: ACMG Criteria: PS3, PS4, PM2_P, PM3, PM4, PP1; Variant was found in compound-heterozygous state with SLC22A5(NM_003060.4):c.136C>T.

Labcorp Genetics (formerly Invitae), Labcorp
Classification: Pathogenic for Renal carnitine transport defect. Last evaluated: 2026-01-17. Review status: criteria provided, single submitter. Criteria: Invitae Variant Classification Sherloc (09022015). Collection method: clinical testing. Allele origin: germline.
Comment: This variant, c.67_69del, results in the deletion of 1 amino acid(s) of the SLC22A5 protein (p.Phe23del), but otherwise preserves the integrity of the reading frame. This variant is present in population databases (rs765192896, gnomAD 0.009%). This variant has been observed in individual(s) with primary carnitine deficiency (PMID: 12210323, 16830263; internal data). In at least one individual the data is consistent with being in trans (on the opposite chromosome) from a pathogenic variant. ClinVar contains an entry for this variant (Variation ID: 25353). Algorithms developed to predict the effect of variants on gene product structure and function are not available or were not evaluated for this variant. Experimental studies have shown that this variant affects SLC22A5 function (PMID: 2235122, 12210323). For these reasons, this variant has been classified as Pathogenic.

Dasa
Classification: Pathogenic. Last evaluated: 2025-11-23. Review status: criteria provided, single submitter. Criteria: DASA Assertion Criteria. Collection method: clinical testing. Allele origin: germline.
Comment: NM_003060.4(SLC22A5):c.67_69del (p.Phe23del) is an in-frame deletion predicted to remove phenylalanine at protein position 23 without shifting the reading frame. This variant has been reported in individuals with SLC22A5-related disorders (PMID: 12210323). Functional evidence supports an impact on the gene or gene product (PMID: 28841266). Also, this variant is rare in population databases. Based on the currently available evidence, this variant is classified as pathogenic.

Natera, Inc.
Classification: Pathogenic for Carnitine deficiency. Last evaluated: 2025-09-26. Review status: criteria provided, single submitter. Criteria: Natera Variant Classification Schema (03/2026). Collection method: clinical testing. Allele origin: germline.
Comment: The c.67_69delTTC variant in SLC22A5 is an in-frame deletion predicted to remove phenylalanine at amino acid 23 while preserving the reading frame. This variant is rare in the general population with a frequency below the threshold expected for the associated phenotype(s). This variant has been observed in one or more individuals affected with the associated recessive disease, as either homozygous or compound heterozygous with a second variant (PMID: 12210323, 16830263, 23379544, 28841266, 32793418). Functional studies show that this variant may disrupt protein function (PMID: 28841266). This variant results in a change to the protein length while preserving reading frame, which may disrupt normal protein structure or function. Computational prediction algorithms indicate this variant is likely to affect gene or protein function. Given the available evidence, this variant is classified as Pathogenic.

Department of Genetics of Metabolic Diseases, Institute of Medical & Molecular Genetics, Hospital Universitario Hospital La Paz
Classification: Pathogenic for Renal carnitine transport defect. Last evaluated: 2024-09-01. Review status: criteria provided, single submitter. Criteria: ACMG Guidelines, 2015. Collection method: clinical testing. Allele origin: germline. Inheritance: Autosomal recessive inheritance. Affected: yes.
Comment: The variant NM_003060.3:c.67_69delTTC p.(Phe23del) in SLC22A5 is present at low frequency in gnomAD (0.002808%) and computational prediction tools support a deleterious effect on the gene. This variant has been observed in individuals with abnormal levels of free carnitine consistent with primary carnitine deficiency, carrying this variant in compound heterozygous form with a second deleterious variant (PMID:23379544,12210323, 16830263, Hidalgo Mayoral I et al., in press).

GeneDx
Classification: Pathogenic. Last evaluated: 2024-02-06. Review status: criteria provided, single submitter. Criteria: GeneDx Variant Classification Process June 2021. Collection method: clinical testing. Allele origin: germline. Affected: yes.
Comment: Functional analysis found c.67_69delTTC is associated with significantly impaired carnitine transport (PMID: 21922592); In-frame deletion of one amino acid in a non-repeat region predicted to critically alter the protein; Not observed at significant frequency in large population cohorts (gnomAD); In silico analysis supports a deleterious effect on protein structure/function; This variant is associated with the following publications: (PMID: 26828774, 21922592, 23379544, 23322164, 16830263, 28611029, 29895548, 28841266, 32778825, 12210323)

Fulgent Genetics
Classification: Pathogenic for Renal carnitine transport defect. Last evaluated: 2024-01-23. Review status: criteria provided, single submitter. Criteria: ACMG Guidelines, 2015. Collection method: clinical testing. Allele origin: germline.

Blueprint Genetics
Classification: Pathogenic for SLC22A5-related disorders. Last evaluated: 2022-09-16. Review status: criteria provided, single submitter. Criteria: ACMG Guidelines, 2015. Collection method: clinical testing. Allele origin: germline. Affected: yes. Observed: 3 variant alleles.

Revvity Omics, Revvity
Classification: Pathogenic for Renal carnitine transport defect. Last evaluated: 2022-03-31. Review status: criteria provided, single submitter. Criteria: ACMG Guidelines, 2015. Collection method: clinical testing. Allele origin: germline.

CeGaT Center for Human Genetics Tuebingen
Classification: Pathogenic. Last evaluated: 2021-08-01. Review status: criteria provided, single submitter. Criteria: CeGaT Center For Human Genetics Tuebingen Variant Classification Criteria Version 2. Collection method: clinical testing. Allele origin: germline. Affected: yes. Observed: 2 variant alleles.

Genome-Nilou Lab
Classification: Pathogenic for Renal carnitine transport defect. Last evaluated: 2021-07-15. Review status: criteria provided, single submitter. Criteria: ACMG Guidelines, 2015. Collection method: clinical testing. Allele origin: germline. Affected: no.

Women's Health and Genetics/Laboratory Corporation of America, LabCorp
Classification: Pathogenic for Renal carnitine transport defect. Last evaluated: 2018-04-16. Review status: criteria provided, single submitter. Criteria: LabCorp Variant Classification Summary - May 2015. Collection method: clinical testing. Allele origin: germline.
Comment: Variant summary: SLC22A5 c.67_69delTTC (p.Phe23del) results in an in-frame deletion that is predicted to remove one amino acids from the encoded protein. The variant allele was found at a frequency of 2.6e-05 in 116020 control chromosomes. This frequency is not significantly higher than expected for a pathogenic variant in SLC22A5 causing Systemic Primary Carnitine Deficiency (2.6e-05 vs 0.0046), allowing no conclusion about variant significance. c.67_69delTTC has been reported in the literature in individuals affected with Systemic Primary Carnitine Deficiency, in which patients were found to have <10% fibroblast carnitine transporter activity (Frigeni_2017, Lamhonwah_2002, Shibbani_2014). These data indicate that the variant is likely to be associated with disease. One clinical diagnostic laboratory has submitted clinical-significance assessments for this variant to ClinVar after 2014 without evidence for independent evaluation and classified the variant as pathogenic. Based on the evidence outlined above, the variant was classified as pathogenic.

Counsyl
Classification: Likely pathogenic for Renal carnitine transport defect. Last evaluated: 2017-12-08. Review status: no assertion criteria provided. Collection method: clinical testing. Allele origin: unknown. Not counted in ClinVar's aggregate classification.

Literature cited by the submitters: PubMed 12210323 (cited by 5 submitters); PubMed 16830263 (cited by 4 submitters); PubMed 2235122 (cited by Labcorp Genetics (formerly Invitae), Labcorp); PubMed 39210374 (cited by Dasa); PubMed 37658577 (cited by Dasa); PubMed 28841266 (cited by 3 submitters); PubMed 23379544 (cited by 3 submitters); PubMed 32793418 (cited by Natera, Inc.); PubMed 41022664 (cited by Department of Genetics of Metabolic Diseases, Institute of Medical & Molecular Genetics, Hospital Universitario Hospital La Paz); PubMed 21922592 (cited by Counsyl); PubMed 16652335 (cited by Counsyl).

NM_003060.4(SLC22A5):c.64TTC[1] (p.Phe23del)

Gene: SLC22A5 (solute carrier family 22 member 5; plus strand). Cytogenetic location: 5q31.1.
Variant type: Microsatellite.
Coding change: c.64TTC[1] on transcript NM_003060.4 (MANE Select); one copy of the 3-base unit TTC starting at c.64; the reference has two copies in a row; one copy, 3 bases deleted; also written c.67_69del.
Protein change: p.Phe23del; deletes phenylalanine 23.
Molecular consequence: inframe deletion.
Genome position (GRCh38, 1-based): chr5:132,370,039-132,370,041, TTC deleted; deleting any 3 consecutive bases within chr5:132,370,034-132,370,041 gives the same sequence; the position shown is the placement nearest the transcript's 3' end. VCF-style (leftmost placement, unchanged base first): chr5-132370033-ATCT-A. GRCh37 (hg19) VCF-style: chr5-131705725-ATCT-A.
Other names: c.67_69del (NM_003060.3, NM_003060.4); c.64TTC[1], p.Phe23del (NM_001308122.2); c.67_69delTTC (NM_003060.4); short protein forms F23del.
Identifiers: ClinVar variation 25353 (VCV000025353.64), dbSNP rs377767444, ClinGen allele CA342611.